The following is an entry in ClinVar:

ClinVar aggregate classification (germline): Likely pathogenic. Review status: criteria provided, multiple submitters, no conflicts (2 of 4 stars). 3 submissions from 3 submitters: Likely pathogenic (3). Last evaluated 2023-09-11.

Conditions:
Charcot-Marie-Tooth disease dominant intermediate B (CMTDIB). Also called: CHARCOT-MARIE-TOOTH NEUROPATHY, DOMINANT INTERMEDIATE B; Charcot-Marie-Tooth disease dominant intermediate 1; CMT DI1; Charcot-Marie-Tooth disease dominant intermediate I. Identifiers: Orphanet 100044, Orphanet 228179, MedGen C1847902, MONDO:0011674, OMIM 606482.

Submissions (3):

Athena Diagnostics
Classification: Likely pathogenic. Last evaluated: 2023-09-11. Review status: criteria provided, single submitter. Criteria: Athena Diagnostics Criteria. Collection method: clinical testing. Allele origin: unknown.
Comment: This variant has been identified in multiple individuals with Charcot-Marie-Tooth disease and appears to segregate with disease in at least one family. This variant has not been reported in large, multi-ethnic general populations.

Laboratório de Neurologia Aplicada e Experimental, Faculdade de Medicina de Ribeirao Preto – Universidade de Sao Paulo
Classification: Likely pathogenic for Charcot-Marie-Tooth disease dominant intermediate B. Last evaluated: 2021-07-20. Review status: criteria provided, single submitter. Criteria: ACMG Guidelines, 2015. Collection method: research. Allele origin: germline. Inheritance: Autosomal dominant inheritance. Affected: yes. Observed: 4 variant alleles, 4 heterozygotes.
Comment: The p.Ser357Phe variant in the DNM2 gene has recently been described in the literature, classified as likely pathogenic, in a large Italian family with CMT2M (PMID: 33459893). This variant is not present in population databases (GnomAD and ABraOM), suggesting it is not a common benign variant in these populations. ClinVar classifies this variant as likely pathogenic (Variation ID: 418164), 1 star. This variant replaces serine with phenylalanine at codon 357 of the DNM2 protein, which is highly conserved across different species. This variant is in an important functional domain of the protein (Middle domain). So, this variant segregates with the family phenotype (CMT2) in an autosomal dominant inheritance. In addition, two other variants in adjacent amino acids (p.Gly358Arg and p.Gly359Asp) have already been reported in the literature, classified as pathogenic, related to the phenotype of CMT2M and CMTiB, respectively (PMID: 28971531; PMID: 19502294). In summary, the p.Ser357Phe meets our criteria to be classified as likely pathogenic.

GeneDx
Classification: Likely pathogenic. Last evaluated: 2014-09-18. Review status: criteria provided, single submitter. Criteria: GeneDx Variant Classification (06012015). Collection method: clinical testing. Allele origin: germline. Affected: yes.
Comment: A novel S357F variant that is likely pathogenic has been identified in the DNM2 gene. The S357F variant has not been published as a pathogenic variant, nor has it been reported as a benign polymorphism to our knowledge. It was not observed in approximately 6,500 individuals of European and African American ancestry in an external variant database, indicating it is not a common benign variant in these populations. The S357F variant is a non-conservative amino acid substitution, which is likely to impact secondary protein structure as these residues differ in polarity, charge, size and/or other properties. This substitution occurs at a position that is conserved across species. In silico analysis predicts this variant is probably damaging to the protein structure/function. Additionally, a missense mutation in the adjacent amino acid (G358R) has been reported in the Human Gene Mutation Database (HGMD) is association with CMT (Stenson et al., 2009). Therefore, this variant is a strong candidate for a pathogenic variant, however the possibility that it is a benign variant cannot be excluded.

Literature cited by the submitters: PubMed 33459893 (cited by Athena Diagnostics); PubMed 28971531 (cited by Laboratório de Neurologia Aplicada e Experimental, Faculdade de Medicina de Ribeirao Preto – Universidade de Sao Paulo); PubMed 19502294 (cited by Laboratório de Neurologia Aplicada e Experimental, Faculdade de Medicina de Ribeirao Preto – Universidade de Sao Paulo).

NM_001005361.3(DNM2):c.1070C>T (p.Ser357Phe)

Gene: DNM2 (dynamin 2; plus strand). Cytogenetic location: 19p13.2.
Variant type: single nucleotide variant.
Coding change: c.1070C>T on transcript NM_001005361.3 (MANE Select); coding-DNA position 1070, C replaced by T.
Protein change: p.Ser357Phe; replaces serine 357 with phenylalanine.
Molecular consequence: missense variant.
Genome position (GRCh38, 1-based): chr19:10,793,797, C>T. VCF-style: chr19-10793797-C-T. GRCh37 (hg19) VCF-style: chr19-10904473-C-T.
Other names: chr19-10793797-C-T; p.Ser357Phe; c.1070C>T, p.Ser357Phe (NM_001005360.3, NM_001005362.3, NM_001190716.2 and 1 more transcripts); short protein forms S357F.
Identifiers: ClinVar variation 418164 (VCV000418164.25), dbSNP rs1064793101, ClinGen allele CA16620726.